The following is an entry in ClinVar:

ClinVar aggregate classification (germline): Uncertain significance (1 of 4 stars; one submission).

gnomAD v4.1: 1 of 1,608,202 alleles (0.000062%); highest among the groups gnomAD compares: Admixed American, 0.0017%; no homozygotes.

Submission:

Labcorp Genetics (formerly Invitae), Labcorp
Classification: Uncertain significance. Last evaluated: 2025-08-25. Review status: criteria provided, single submitter. Criteria: Invitae Variant Classification Sherloc (09022015). Collection method: clinical testing. Allele origin: germline.
Comment: This sequence change falls in intron 61 of the COL11A2 gene. It does not directly change the encoded amino acid sequence of the COL11A2 protein. It affects a nucleotide within the consensus splice site. This variant is not present in population databases (gnomAD no frequency). This variant has not been reported in the literature in individuals affected with COL11A2-related conditions. Variants that disrupt the consensus splice site are a relatively common cause of aberrant splicing (PMID: 17576681, 9536098). Algorithms developed to predict the effect of sequence changes on RNA splicing suggest that this variant may disrupt the consensus splice site. In summary, the available evidence is currently insufficient to determine the role of this variant in disease. Therefore, it has been classified as a Variant of Uncertain Significance.

Literature cited by the submitters: PubMed 17576681; PubMed 9536098.

NM_080680.3(COL11A2):c.4428+6T>C

Gene: COL11A2 (collagen type XI alpha 2 chain; minus strand). Cytogenetic location: 6p21.32.
Variant type: single nucleotide variant.
Coding change: c.4428+6T>C on transcript NM_080680.3 (MANE Select); 6 bases into the intron after coding-DNA position 4428, T replaced by C.
Molecular consequence: intron variant.
Genome position (GRCh38, 1-based): chr6:33,166,165, A>G on the plus strand (T>C on the coding strand, the complement: COL11A2 is on the minus strand). VCF-style: chr6-33166165-A-G. GRCh37 (hg19) VCF-style: chr6-33133942-A-G.
Other names: c.3402+6T>C (NM_001424111.1, NM_001424110.1); c.4107+6T>C (NM_080679.3); c.4170+6T>C (NM_080681.3); c.4248+6T>C (NM_001424108.1); c.3582+6T>C (NM_001424109.1); c.2382+6T>C (NM_001424112.1).
Identifiers: ClinVar variation 4726019 (VCV004726019.1).